The following is an entry in ClinVar:

NM_025114.4(CEP290):c.3925C>G (p.Gln1309Glu)

Gene: CEP290 (centrosomal protein 290; minus strand). Cytogenetic location: 12q21.32.
Variant type: single nucleotide variant.
Coding change: c.3925C>G on transcript NM_025114.4 (MANE Select); coding-DNA position 3925, C replaced by G.
Protein change: p.Gln1309Glu; replaces glutamine 1309 with glutamic acid.
Molecular consequence: missense variant.
Genome position (GRCh38, 1-based): chr12:88,089,136, G>C on the plus strand (C>G on the coding strand, the complement: CEP290 is on the minus strand). VCF-style: chr12-88089136-G-C. GRCh37 (hg19) VCF-style: chr12-88482913-G-C.
Other names: short protein forms Q1309E.
Identifiers: ClinVar variation 1906708 (VCV001906708.5), dbSNP rs2036816455, ClinGen allele CA386000398.

ClinVar aggregate classification (germline): Uncertain significance (1 of 4 stars; one submission).

Conditions:
Joubert syndrome. Also called: CEREBELLOPARENCHYMAL DISORDER IV; JOUBERT-BOLTSHAUSER SYNDROME; Familial aplasia of the vermis. Identifiers: Orphanet 475, MedGen C5979921, MONDO:0018772.
Meckel-Gruber syndrome. Also called: DYSENCEPHALIA SPLANCHNOCYSTICA; GRUBER SYNDROME; Dysencephalia splachnocystica. Identifiers: Orphanet 564, MedGen C0265215, MONDO:0018921.
Nephronophthisis. Also called: Juvenile Nephronophthisis. Identifiers: Orphanet 655, MedGen C0687120, MONDO:0019005, HP:0000090.

Submission:

Labcorp Genetics (formerly Invitae), Labcorp
Classification: Uncertain significance for Joubert syndrome; Meckel-Gruber syndrome; Nephronophthisis. Last evaluated: 2022-03-04. Review status: criteria provided, single submitter. Criteria: Invitae Variant Classification Sherloc (09022015). Collection method: clinical testing. Allele origin: germline.
Comment: This variant is not present in population databases (gnomAD no frequency). This sequence change replaces glutamine, which is neutral and polar, with glutamic acid, which is acidic and polar, at codon 1309 of the CEP290 protein (p.Gln1309Glu). Algorithms developed to predict the effect of missense changes on protein structure and function output the following: SIFT: "Tolerated"; PolyPhen-2: "Benign"; Align-GVGD: "Class C0". The glutamic acid amino acid residue is found in multiple mammalian species, which suggests that this missense change does not adversely affect protein function. In summary, the available evidence is currently insufficient to determine the role of this variant in disease. Therefore, it has been classified as a Variant of Uncertain Significance. This variant has not been reported in the literature in individuals affected with CEP290-related conditions.